The following is an entry in ClinVar:

ClinVar aggregate classification (germline): Conflicting classifications of pathogenicity. Review status: criteria provided, conflicting classifications (1 of 4 stars). 7 submissions from 7 submitters: Uncertain significance (5); Likely benign (2). Last evaluated 2025-03-21.

Conditions:
Hereditary cancer-predisposing syndrome. Also called: Hereditary Cancer Syndrome; Neoplastic Syndromes, Hereditary; Hereditary neoplastic syndrome; Tumor predisposition. Identifiers: Orphanet 140162, MedGen C0027672, MeSH D009386, MONDO:0015356.
Hereditary breast ovarian cancer syndrome. Also called: Hereditary breast and ovarian cancer syndrome (HBOC); Breast and ovarian cancer; Hereditary breast and ovarian cancer syndrome; Hereditary breast and ovarian cancer; BRCA1- and BRCA2-Associated Hereditary Breast and Ovarian Cancer; Hereditary breast and/or ovarian cancer syndrome. Identifiers: Orphanet 145, MedGen C0677776, MeSH D061325, MONDO:0003582. Disease mechanism: loss of function.
Breast-ovarian cancer, familial, susceptibility to, 1 (BROVCA1). Also called: BRCA1 Hereditary Breast and Ovarian Cancer; OVARIAN CANCER, SUSCEPTIBILITY TO. Identifiers: Orphanet 145, MedGen C2676676, MONDO:0011450, OMIM 604370. Disease mechanism: loss of function.

Allele frequency attached by ClinVar (database versions not stated): gnomAD exomes below 0.00001.
gnomAD v4.1: 1 of 1,613,558 alleles (0.000062%); no homozygotes.

Submissions (8):

Myriad Genetics, Inc.
Classification: Likely benign for Breast-ovarian cancer, familial, susceptibility to, 1. Last evaluated: 2025-03-21. Review status: criteria provided, single submitter. Criteria: Myriad Autosomal Dominant, Autosomal Recessive and X-Linked Classification Criteria (2023). Collection method: clinical testing. Allele origin: unknown.
Comment: This variant is considered likely benign. This variant is strongly associated with less severe personal and family histories of cancer, typical for individuals without pathogenic variants in this gene [PMID: 25085752].

Ambry Genetics
Classification: Uncertain significance for Hereditary cancer-predisposing syndrome. Last evaluated: 2025-01-25. Review status: criteria provided, single submitter. Criteria: Ambry Variant Classification Scheme 2023. Collection method: clinical testing. Allele origin: germline.
Comment: The p.D40N variant (also known as c.118G>A), located in coding exon 2 of the BRCA1 gene, results from a G to A substitution at nucleotide position 118. The aspartic acid at codon 40 is replaced by asparagine, an amino acid with highly similar properties. One functional study found the significance of this nucleotide substitution to be uncertain in a high throughput genome editing haploid cell survival assay (Findlay GM et al. Nature, 2018 10;562:217-222). This amino acid position is highly conserved in available vertebrate species. In addition, the in silico prediction for this alteration is inconclusive.

Lupski Lab, Baylor-Hopkins CMG, Baylor College of Medicine
Classification: Likely benign for Breast-ovarian cancer, familial, susceptibility to, 1. Last evaluated: 2024-04-12. Review status: criteria provided, single submitter. Criteria: Dawood et al. (medRxiv. 2024). Collection method: curation. Allele origin: germline.
Comment: Each variant was annotated with functional scores from MAVE data which was translated into functional evidence codes. All other evidence codes and combining criteria were adhered to as closely as possible based on the ClinGen VCEP (Variant Curation Expert Panel) gene-specific recommendations. See Supplemental Figure 34 of final paper (Supp Fig. 28 in preprint: doi:10.1101/2024.04.11.24305690) for a table to see which lines of evidence we did not have data for. The ClinGen VCEPs are highly regarded as the gold-standard for gene-specific variant curation and are developed after extensive evaluation of the evidence by clinical and scientific experts for the particular gene to classify genomic variants on a spectrum from pathogenic to benign using the 2015 ACMG/AMP Variant Interpretation Guidelines as a backbone (PMID: 25741868). Reclassification of these VUS variants from gnomAD or All of Us focused only on variants originally prescribed as VUS in ClinVar. To ensure reproducibility, transparency, and increased throughput, all the procedures for annotating variants and assigning evidence codes were codified using Python. All code has been made freely available and is linked in the Code Availability section and all reclassified variants with evidence codes used can be found in Tables S18-19 (preprint: doi:10.1101/2024.04.11.24305690). For the MAVE data, the clinical curation and clinical strength assignment as per the ClinGen recommendations in Brnich et al. (2020) (PMID: 31892348) for or against pathogenicity or benignity of each of these MAVE datasets utilized in this study were previously published in Fayer et al. (2021) (PMID: 34793697).In brief, for BRCA1 variants, if a variant was categorized as FUNC (functional), it was assigned BS3 evidence and no PS3 evidence, whereas if it was categorized as LOF (loss of function), the variant was assigned PS3 evidence and no BS3 evidence. Variants categorized as INT (intermediate) were left unannotated. For the BRCA1 combining criteria, greater than or equal to 1 criteria of strong benign evidence was enough to reclassify the VUS as Likely Benign. This variant GRCh38:17:43115742:C>T was assigned evidence codes ['BS3', 'BP4'] and an overall classification of Likely benign

All of Us Research Program, National Institutes of Health
Classification: Uncertain significance for Breast-ovarian cancer, familial, susceptibility to, 1. Last evaluated: 2023-05-31. Review status: criteria provided, single submitter. Criteria: ACMG Guidelines, 2015. Collection method: clinical testing. Allele origin: germline. Inheritance: Autosomal dominant inheritance. Observed: 1 variant allele, 1 heterozygote.
Comment: This study involves interpretation of variants in research participants for the purpose of population health screening. Participant phenotype was not available at the time of variant classification. Additional details can be found in publication PMID: 35346344, PMCID: PMC8962531

Labcorp Genetics (formerly Invitae), Labcorp
Classification: Uncertain significance for Hereditary breast ovarian cancer syndrome. Last evaluated: 2021-07-25. Review status: criteria provided, single submitter. Criteria: Invitae Variant Classification Sherloc (09022015). Collection method: clinical testing. Allele origin: germline.
Comment: This variant has not been reported in the literature in individuals with BRCA1-related conditions. ClinVar contains an entry for this variant (Variation ID: 252392). This sequence change replaces aspartic acid with asparagine at codon 40 of the BRCA1 protein (p.Asp40Asn). The aspartic acid residue is highly conserved and there is a small physicochemical difference between aspartic acid and asparagine. This variant is not present in population databases (ExAC no frequency). This variant has been reported not to substantially affect BRCA1 protein function (PMID: 30209399). In summary, the available evidence is currently insufficient to determine the role of this variant in disease. Therefore, it has been classified as a Variant of Uncertain Significance.

Institute of Human Genetics, University of Leipzig Medical Center
Classification: Uncertain significance for Breast-ovarian cancer, familial, susceptibility to, 1. Last evaluated: 2019-10-07. Review status: criteria provided, single submitter. Criteria: ACMG Guidelines, 2015. Collection method: clinical testing. Allele origin: germline. Affected: yes. Observed: 1 variant allele.

Quest Diagnostics Nichols Institute San Juan Capistrano
Classification: Uncertain significance for Breast-ovarian cancer, familial, susceptibility to, 1. Last evaluated: 2016-03-23. Review status: criteria provided, single submitter. Criteria: Quest Diagnostics criteria. Collection method: clinical testing. Allele origin: germline. Inheritance: Autosomal dominant inheritance.

Brotman Baty Institute, University of Washington
No classification provided (evidence only). Condition: Breast-ovarian cancer, familial 1. Review status: no classification provided. Collection method: in vitro. Allele origin: not applicable. Functional consequence: functionally_normal. Not counted in ClinVar's aggregate classification.
ClinVar note: "not provided" was previously submitted as the classification for the variant. However, the classification appeared to be based only on an observation of functional data so it was converted to no classification on 2025-07-30.

Literature cited by the submitters: PubMed 25085752 (cited by Myriad Genetics, Inc.); PubMed 30209399 (cited by Ambry Genetics and Labcorp Genetics (formerly Invitae), Labcorp); PubMed 39142283 (cited by Lupski Lab, Baylor-Hopkins CMG, Baylor College of Medicine); PubMed 34793697 (cited by Lupski Lab, Baylor-Hopkins CMG, Baylor College of Medicine); DOI 10.1101/2024.04.11.24305690 (cited by Lupski Lab, Baylor-Hopkins CMG, Baylor College of Medicine); PubMed 26295337 (cited by Quest Diagnostics Nichols Institute San Juan Capistrano).

NM_007294.4(BRCA1):c.118G>A (p.Asp40Asn)

Gene: BRCA1 (BRCA1 DNA repair associated; minus strand). Cytogenetic location: 17q21.31.
Variant type: single nucleotide variant.
Coding change: c.118G>A on transcript NM_007294.4 (MANE Select); coding-DNA position 118, G replaced by A.
Protein change: p.Asp40Asn; replaces aspartic acid 40 with asparagine.
Molecular consequence: missense variant. On other transcripts: non-coding transcript variant (1), intron variant (1).
Genome position (GRCh38, 1-based): chr17:43,115,742, C>T on the plus strand (G>A on the coding strand, the complement: BRCA1 is on the minus strand). VCF-style: chr17-43115742-C-T. GRCh37 (hg19) VCF-style: chr17-41267759-C-T.
Other names: c.118G>A, p.Asp40Asn (NM_001408392.1, NM_001408396.1, NM_001408397.1 and 192 more transcripts); c.-24G>A (NM_001408410.1, NM_001408452.1, NM_001408453.1 and 47 more transcripts); c.-71G>A (NM_001407571.1, NM_001408478.1, NM_001408479.1 and 52 more transcripts); c.-140G>A (NM_001408455.1, NM_001408456.1, NM_001408468.1 and 13 more transcripts); c.-144G>A (NM_001408465.1, NM_001407695.1); c.-187G>A (NM_001408492.1, NM_001407889.1, NM_001407900.1); c.-186G>A (NM_001408510.1, NM_001408512.1, NM_001407960.1 and 1 more transcripts); c.-8+8275G>A (NM_007297.4); and 2 more; short protein forms D40N.
Identifiers: ClinVar variation 252392 (VCV000252392.22), dbSNP rs879255290, ClinGen allele CA10585923.